The following is an entry in ClinVar:

ClinVar aggregate classification (germline): Uncertain significance (1 of 4 stars; one submission).

Submission:

Labcorp Genetics (formerly Invitae), Labcorp
Classification: Uncertain significance. Last evaluated: 2025-02-24. Review status: criteria provided, single submitter. Criteria: Invitae Variant Classification Sherloc (09022015). Collection method: clinical testing. Allele origin: germline.
Comment: This sequence change replaces phenylalanine with tyrosine at codon 153 of the BMP2 protein (p.Phe153Tyr). The phenylalanine residue is highly conserved and there is a small physicochemical difference between phenylalanine and tyrosine. This variant is not present in population databases (gnomAD no frequency). This variant has not been reported in the literature in individuals affected with BMP2-related conditions. ClinVar contains an entry for this variant (Variation ID: 1513058). An algorithm developed to predict the effect of missense changes on protein structure and function (PolyPhen-2) suggests that this variant is likely to be disruptive. In summary, the available evidence is currently insufficient to determine the role of this variant in disease. Therefore, it has been classified as a Variant of Uncertain Significance.

NM_001200.4(BMP2):c.458T>A (p.Phe153Tyr)

Gene: BMP2 (bone morphogenetic protein 2; plus strand). Cytogenetic location: 20p12.3.
Variant type: single nucleotide variant.
Coding change: c.458T>A on transcript NM_001200.4 (MANE Select); coding-DNA position 458, T replaced by A.
Protein change: p.Phe153Tyr; replaces phenylalanine 153 with tyrosine.
Molecular consequence: missense variant.
Genome position (GRCh38, 1-based): chr20:6,778,356, T>A. VCF-style: chr20-6778356-T-A. GRCh37 (hg19) VCF-style: chr20-6759003-T-A.
Other names: short protein forms F153Y.
Identifiers: ClinVar variation 1513058 (VCV001513058.6), dbSNP rs1167821863, ClinGen allele CA408258373.